The following is an entry in ClinVar:

ClinVar aggregate classification (germline): Likely benign (1 of 4 stars; one submission).

Conditions:
Chondrodysplasia with joint dislocations, gPAPP type. Also called: GPAPP DEFICIENCY. Identifiers: Orphanet 280586, MedGen C3279757, MONDO:0013561, OMIM 614078.

Allele frequency attached by ClinVar (database versions not stated): 1000 Genomes Project 0.00319; 1000 Genomes Project 30x 0.00344; gnomAD 0.00373 and 0.00408; TOPMed 0.00403.

Submission:

Illumina Laboratory Services, Illumina
Classification: Likely benign for Chondrodysplasia with joint dislocations, gPAPP type. Last evaluated: 2018-01-12. Review status: criteria provided, single submitter. Criteria: ICSL Variant Classification Criteria 13 December 2019. Collection method: clinical testing. Allele origin: germline.
Comment: This variant was observed in the ICSL laboratory as part of a predisposition screen in an ostensibly healthy population. It had not been previously curated by ICSL or reported in the Human Gene Mutation Database (HGMD: prior to June 1st, 2018), and was therefore a candidate for classification through an automated scoring system. Utilizing variant allele frequency, disease prevalence and penetrance estimates, and inheritance mode, an automated score was calculated to assess if this variant is too frequent to cause the disease. Based on the score and internal cut-off values, a variant classified as likely benign is not then subjected to further curation. The score for this variant resulted in a classification of likely benign for this disease.

NM_017813.5(BPNT2):c.*4973G>T

Gene: BPNT2 (3'(2'), 5'-bisphosphate nucleotidase 2; minus strand). Cytogenetic location: 8q12.1.
Variant type: single nucleotide variant.
Coding change: c.*4973G>T on transcript NM_017813.5 (MANE Select); 4973 bases downstream of the stop codon, G replaced by T.
Molecular consequence: 3 prime UTR variant.
Genome position (GRCh38, 1-based): chr8:56,958,820, C>A on the plus strand (G>T on the coding strand, the complement: BPNT2 is on the minus strand). VCF-style: chr8-56958820-C-A. GRCh37 (hg19) VCF-style: chr8-57871379-C-A.
Identifiers: ClinVar variation 363338 (VCV000363338.5), dbSNP rs150852896, ClinGen allele CA10628001.
Genomic context (GRCh38, chr8:56,958,820, plus strand): 5'-TGTCATCATGGCAGAGCACTGTCTCTTCTGTGGGACTGAAACAGCTAGCTTTGGCTACTG[C>A]CGGTAGTGGACAATATGGCACATGGAAATTAAAAAGTCCATAAACGTGCCCTCCTAACAC-3'